The following is an entry in ClinVar:

NM_001458.5(FLNC):c.6602C>T (p.Thr2201Ile)

Genes: FLNC (filamin C; plus strand), FLNC-AS1 (FLNC antisense RNA 1; minus strand). Cytogenetic location: 7q32.1.
Variant type: single nucleotide variant.
Coding change: c.6602C>T on transcript NM_001458.5 (MANE Select); coding-DNA position 6602, C replaced by T.
Protein change: p.Thr2201Ile; replaces threonine 2201 with isoleucine.
Molecular consequence: missense variant.
Genome position (GRCh38, 1-based): chr7:128,854,091, C>T. VCF-style: chr7-128854091-C-T. GRCh37 (hg19) VCF-style: chr7-128494145-C-T.
Other names: c.6503C>T, p.Thr2168Ile (NM_001127487.2); short protein forms T2168I, T2201I.
Identifiers: ClinVar variation 659296 (VCV000659296.10), dbSNP rs1585169205, ClinGen allele CA369212908.

ClinVar aggregate classification (germline): Uncertain significance. Review status: criteria provided, multiple submitters, no conflicts (2 of 4 stars). 2 submissions from 2 submitters: Uncertain significance (2). Last evaluated 2022-12-06.

Conditions:
Hypertrophic cardiomyopathy 26. Also called: Cardiomyopathy, familial hypertrophic, 26. Identifiers: Orphanet 75249, MedGen C4310749, MONDO:0014883, OMIM 617047.
Myofibrillar myopathy 5. Also called: Filaminopathy (type); FILAMINOPATHY, AUTOSOMAL DOMINANT. Identifiers: Orphanet 171445, MedGen C1836050, MONDO:0012289, OMIM 609524.
Distal myopathy with posterior leg and anterior hand involvement. Also called: WILLIAMS DISTAL MYOPATHY. Identifiers: Orphanet 63273, MedGen C3279722, MONDO:0013550, OMIM 614065.

Submissions (2):

Labcorp Genetics (formerly Invitae), Labcorp
Classification: Uncertain significance for Distal myopathy with posterior leg and anterior hand involvement; Myofibrillar myopathy 5; Hypertrophic cardiomyopathy 26. Last evaluated: 2022-12-06. Review status: criteria provided, single submitter. Criteria: Invitae Variant Classification Sherloc (09022015). Collection method: clinical testing. Allele origin: germline.
Comment: This variant is not present in population databases (gnomAD no frequency). Algorithms developed to predict the effect of missense changes on protein structure and function are either unavailable or do not agree on the potential impact of this missense change (SIFT: "Deleterious"; PolyPhen-2: "Benign"; Align-GVGD: "Class C0"). ClinVar contains an entry for this variant (Variation ID: 659296). This variant has not been reported in the literature in individuals affected with FLNC-related conditions. This sequence change replaces threonine, which is neutral and polar, with isoleucine, which is neutral and non-polar, at codon 2201 of the FLNC protein (p.Thr2201Ile). In summary, the available evidence is currently insufficient to determine the role of this variant in disease. Therefore, it has been classified as a Variant of Uncertain Significance.

GeneDx
Classification: Uncertain significance. Last evaluated: 2019-02-27. Review status: criteria provided, single submitter. Criteria: GeneDx Variant Classification Process June 2021. Collection method: clinical testing. Allele origin: germline. Affected: yes.
Comment: Not observed in large population cohorts (Lek et al., 2016); In silico analysis, which includes protein predictors and evolutionary conservation, supports that this variant does not alter protein structure/function; Has not been previously published as pathogenic or benign to our knowledge